The following is an entry in ClinVar:

ClinVar aggregate classification (germline): Likely pathogenic. Review status: criteria provided, single submitter (1 of 4 stars). 2 submissions from 2 submitters: Likely pathogenic (1). 1 of the submissions does not count toward it. Last evaluated 2020-03-25.

Conditions:
Hao-Fountain syndrome (HAFOUS). Identifiers: Orphanet 643549, MedGen C5393908, MONDO:0014805.

Submissions (2):

Labcorp Genetics (formerly Invitae), Labcorp
Classification: Likely pathogenic. Last evaluated: 2020-03-25. Review status: criteria provided, single submitter. Criteria: Invitae Variant Classification Sherloc (09022015). Collection method: clinical testing. Allele origin: germline.
Comment: In summary, the currently available evidence indicates that the variant is pathogenic, but additional data are needed to prove that conclusively. Therefore, this variant has been classified as Likely Pathogenic. Algorithms developed to predict the effect of missense changes on protein structure and function are either unavailable or do not agree on the potential impact of this missense change (SIFT: "Deleterious"; PolyPhen-2: "Probably Damaging"; Align-GVGD: "Class C0"). This variant has been observed in individual(s) with clinical features of USP7-related neurodevelopmental disorder (Invitae). In at least one individual the variant was observed to be de novo. This variant is not present in population databases (ExAC no frequency). This sequence change replaces phenylalanine with leucine at codon 118 of the USP7 protein (p.Phe118Leu). The phenylalanine residue is highly conserved and there is a small physicochemical difference between phenylalanine and leucine.

Human Genetics Laboratory, Amsterdam University Medical Center
Classification: Likely pathogenic for Hao-Fountain syndrome due to USP7 mutation. Last evaluated: 2023-04-27. Review status: no assertion criteria provided. Collection method: clinical testing. Allele origin: de novo. Affected: yes. Not counted in ClinVar's aggregate classification.

NM_003470.3(USP7):c.352T>C (p.Phe118Leu)

Gene: USP7 (ubiquitin specific peptidase 7; minus strand). Cytogenetic location: 16p13.2.
Variant type: single nucleotide variant.
Coding change: c.352T>C on transcript NM_003470.3 (MANE Select); coding-DNA position 352, T replaced by C.
Protein change: p.Phe118Leu; replaces phenylalanine 118 with leucine.
Molecular consequence: missense variant. On other transcripts: non-coding transcript variant (1).
Genome position (GRCh38, 1-based): chr16:8,923,246, A>G on the plus strand (T>C on the coding strand, the complement: USP7 is on the minus strand). VCF-style: chr16-8923246-A-G. GRCh37 (hg19) VCF-style: chr16-9017103-A-G.
Other names: c.304T>C, p.Phe102Leu (NM_001286457.2); c.55T>C, p.Phe19Leu (NM_001286458.2); c.178T>C, p.Phe60Leu (NM_001321858.2); short protein forms F102L, F118L, F19L, F60L.
Identifiers: ClinVar variation 1068189 (VCV001068189.10), dbSNP rs2141215483, ClinGen allele CA394705289.